The following is an entry in ClinVar:

ClinVar aggregate classification (germline): Uncertain significance (1 of 4 stars; one submission).

Conditions:
Alstrom syndrome (ALMS). Identifiers: Orphanet 64, MedGen C0268425, MONDO:0008763, OMIM 203800.

Allele frequency attached by ClinVar (database versions not stated): TOPMed below 0.00001.

Submission:

Labcorp Genetics (formerly Invitae), Labcorp
Classification: Uncertain significance for Alstrom syndrome. Last evaluated: 2024-11-11. Review status: criteria provided, single submitter. Criteria: Invitae Variant Classification Sherloc (09022015). Collection method: clinical testing. Allele origin: germline.
Comment: This sequence change replaces isoleucine, which is neutral and non-polar, with threonine, which is neutral and polar, at codon 2004 of the ALMS1 protein (p.Ile2004Thr). This variant is not present in population databases (gnomAD no frequency). This variant has not been reported in the literature in individuals affected with ALMS1-related conditions. ClinVar contains an entry for this variant (Variation ID: 1993603). Experimental studies and prediction algorithms are not available or were not evaluated, and the functional significance of this variant is currently unknown. In summary, the available evidence is currently insufficient to determine the role of this variant in disease. Therefore, it has been classified as a Variant of Uncertain Significance.

NM_001378454.1(ALMS1):c.6008T>C (p.Ile2003Thr)

Gene: ALMS1 (ALMS1 centrosome and basal body associated protein; plus strand). Cytogenetic location: 2p13.1.
Variant type: single nucleotide variant.
Coding change: c.6008T>C on transcript NM_001378454.1 (MANE Select); coding-DNA position 6008, T replaced by C.
Protein change: p.Ile2003Thr; replaces isoleucine 2003 with threonine.
Molecular consequence: missense variant.
Genome position (GRCh38, 1-based): chr2:73,452,535, T>C. VCF-style: chr2-73452535-T-C. GRCh37 (hg19) VCF-style: chr2-73679662-T-C.
Other names: c.6011T>C, p.Ile2004Thr (NM_015120.4); short protein forms I2004T, I2003T.
Identifiers: ClinVar variation 1993603 (VCV001993603.4), dbSNP rs1671968491, ClinGen allele CA347284383.